The following is an entry in ClinVar:

NM_000282.4(PCCA):c.1643+1155C>A

Gene: PCCA (propionyl-CoA carboxylase subunit alpha; plus strand). Cytogenetic location: 13q32.3.
Variant type: single nucleotide variant.
Coding change: c.1643+1155C>A on transcript NM_000282.4 (MANE Select); 1155 bases into the intron after coding-DNA position 1643, C replaced by A.
Molecular consequence: intron variant.
Genome position (GRCh38, 1-based): chr13:100,341,414, C>A. VCF-style: chr13-100341414-C-A. GRCh37 (hg19) VCF-style: chr13-100993668-C-A.
Other names: c.1643+1155C>A (NM_001178004.2, NM_001352605.2, NM_001352609.2); c.1499+1155C>A (NM_001352606.2); c.698+1155C>A (NM_001352610.2, NM_001352611.2); c.554+1155C>A (NM_001352612.2); c.1565+1155C>A (NM_001127692.3, NM_001352607.2); c.1421+1155C>A (NM_001352608.2).
Identifiers: ClinVar variation 2643894 (VCV002643894.23), dbSNP rs118134728, ClinGen allele CA255991597.

ClinVar aggregate classification (germline): Benign (1 of 4 stars; one submission).

Allele frequency attached by ClinVar (database versions not stated): 1000 Genomes Project 0.00699; 1000 Genomes Project 30x 0.00734; TOPMed 0.01192.
gnomAD v4.1: 1,736 of 152,290 alleles (1.1%); highest among the groups gnomAD compares: Non-Finnish European, 1.3%; 20 homozygotes.

Submission:

CeGaT Center for Human Genetics Tuebingen
Classification: Benign. Last evaluated: 2023-02-01. Review status: criteria provided, single submitter. Criteria: CeGaT Center For Human Genetics Tuebingen Variant Classification Criteria Version 2. Collection method: clinical testing. Allele origin: germline. Affected: yes. Observed: 2 variant alleles.
Comment: ENSG00000287330: BS1, BS2